The following is an entry in ClinVar:

ClinVar aggregate classification (germline): Uncertain significance (1 of 4 stars; one submission).

Conditions:
SAMD14-related disorder. Also called: SAMD14-related condition.

gnomAD v4.1: 31 of 1,613,984 alleles (0.0019%); highest among the groups gnomAD compares: African/African-American, 0.004%; no homozygotes.

Submission:

PreventionGenetics, part of Exact Sciences
Classification: Uncertain significance for SAMD14-related condition. Last evaluated: 2023-09-23. Review status: criteria provided, single submitter. Criteria: ACMG Guidelines, 2015. Collection method: clinical testing. Allele origin: germline.
Comment: The SAMD14 c.568C>T variant is predicted to result in premature protein termination (p.Arg190*). To our knowledge, this variant has not been reported in the literature. This variant is reported in 0.020% of alleles in individuals of European (Finnish) descent in gnomAD. Loss of function has not been conclusively established as a mechanism for SAMD14-related disorders. At this time, the clinical significance of this variant is uncertain due to the absence of conclusive functional and genetic evidence.

NM_001257359.2(SAMD14):c.568C>T (p.Arg190Ter)

Gene: SAMD14 (sterile alpha motif domain containing 14; minus strand). Cytogenetic location: 17q21.33.
Variant type: single nucleotide variant.
Coding change: c.568C>T on transcript NM_001257359.2 (MANE Select); coding-DNA position 568, C replaced by T.
Protein change: p.Arg190Ter; replaces arginine 190 with a stop codon.
Molecular consequence: nonsense.
Genome position (GRCh38, 1-based): chr17:50,116,022, G>A on the plus strand (C>T on the coding strand, the complement: SAMD14 is on the minus strand). VCF-style: chr17-50116022-G-A. GRCh37 (hg19) VCF-style: chr17-48193386-G-A.
Other names: c.568C>T, p.Arg190Ter (NM_174920.4); short protein forms R190*.
Identifiers: ClinVar variation 2629512 (VCV002629512.1), dbSNP rs145223018, ClinGen allele CA8642955.